The following is an entry in ClinVar:

ClinVar aggregate classification (germline): Uncertain significance (1 of 4 stars; one submission).

Conditions:
Gastrointestinal stromal tumor. Also called: Gastrointestinal stroma tumor; Gastrointestinal stromal tumor, somatic. Identifiers: Orphanet 44890, MedGen C0238198, MeSH D046152, MONDO:0011719, OMIM 606764, HP:0100723.

gnomAD v4.1: 1 of 1,614,064 alleles (0.000062%); highest among the groups gnomAD compares: Non-Finnish European, 0.000085%; no homozygotes.

Submission:

Labcorp Genetics (formerly Invitae), Labcorp
Classification: Uncertain significance for Gastrointestinal stromal tumor. Last evaluated: 2022-02-02. Review status: criteria provided, single submitter. Criteria: Invitae Variant Classification Sherloc (09022015). Collection method: clinical testing. Allele origin: germline.
Comment: In summary, the available evidence is currently insufficient to determine the role of this variant in disease. Therefore, it has been classified as a Variant of Uncertain Significance. Algorithms developed to predict the effect of missense changes on protein structure and function are either unavailable or do not agree on the potential impact of this missense change (SIFT: "Tolerated"; PolyPhen-2: "Possibly Damaging"; Align-GVGD: "Class C0"). This variant has not been reported in the literature in individuals affected with PDGFRA-related conditions. This variant is not present in population databases (gnomAD no frequency). This sequence change replaces serine, which is neutral and polar, with arginine, which is basic and polar, at codon 566 of the PDGFRA protein (p.Ser566Arg).

NM_006206.6(PDGFRA):c.1696A>C (p.Ser566Arg)

Gene: PDGFRA (platelet derived growth factor receptor alpha; plus strand). Cytogenetic location: 4q12.
Variant type: single nucleotide variant.
Coding change: c.1696A>C on transcript NM_006206.6 (MANE Select); coding-DNA position 1696, A replaced by C.
Protein change: p.Ser566Arg; replaces serine 566 with arginine.
Molecular consequence: missense variant.
Genome position (GRCh38, 1-based): chr4:54,274,883, A>C. VCF-style: chr4-54274883-A-C. GRCh37 (hg19) VCF-style: chr4-55141050-A-C.
Other names: c.1771A>C, p.Ser591Arg (NM_001347828.2); c.1696A>C, p.Ser566Arg (NM_001347829.2, NM_001347827.2); c.1735A>C, p.Ser579Arg (NM_001347830.2); short protein forms S579R, S591R, S566R.
Identifiers: ClinVar variation 2091950 (VCV002091950.4), dbSNP rs1723633126, ClinGen allele CA356893106.